The following is an entry in ClinVar:

NM_001267550.2(TTN):c.52128del (p.Phe17376fs)

Genes: TTN (titin; minus strand), TTN-AS1 (TTN antisense RNA 1; plus strand). Cytogenetic location: 2q31.2.
Variant type: Deletion.
Coding change: c.52128del on transcript NM_001267550.2 (MANE Select); coding-DNA position 52128, one base deleted (T; older notation c.52128delT).
Protein change: p.Phe17376fs; shifts the reading frame from phenylalanine 17376.
Molecular consequence: frameshift variant.
Genome position (GRCh38, 1-based): chr2:178,608,883, A deleted on the plus strand (T on the coding strand, the reverse complement: TTN is on the minus strand); the first of 3 consecutive A bases (chr2:178,608,883-178,608,885); deleting any one gives the same sequence. VCF-style (leftmost placement, unchanged base first): chr2-178608882-CA-C. GRCh37 (hg19) VCF-style: chr2-179473609-CA-C.
Other names: c.47205del, p.Phe15735fs (NM_001256850.1); c.24933del, p.Phe8311fs (NM_003319.4); c.44424del, p.Phe14808fs (NM_133378.4); c.25308del, p.Phe8436fs (NM_133432.3); c.25509del, p.Phe8503fs (NM_133437.4); c.52128delT (LRG_391t1); short protein forms F15735fs, F8436fs, F8311fs, F14808fs, F17376fs, F8503fs.
Identifiers: ClinVar variation 223257 (VCV000223257.1), dbSNP rs869312095, ClinGen allele CA353118.

ClinVar aggregate classification (germline): Uncertain significance (1 of 4 stars; one submission).

Conditions:
Primary dilated cardiomyopathy (DCM). Also called: Dilated Cardiomyopathy. Identifiers: Orphanet 217604, MedGen C0007193, MeSH D002311, MONDO:0005021, HP:0001644. Inheritance: Various modes of inheritance.

Submission:

Cardiovascular Biomedical Research Unit, Royal Brompton & Harefield NHS Foundation Trust
Classification: Uncertain significance for Primary dilated cardiomyopathy. Last evaluated: 2014-10-08. Review status: criteria provided, single submitter. Criteria: Roberts et al. 2015. Collection method: research. Allele origin: germline. Inheritance: Autosomal dominant inheritance. Affected: no. Observed: 1 variant allele. Study: FHS cohort.
Comment: In the seven cohorts assessed, TTNtv were found in 14% of ambulant DCM, 22% end-stage or familial DCM, and 2% controls. Heterozygous nonsense, frameshift and canonical splice-disrupting variants found in constitutive and other highly utilised exons are highly likely to be pathogenic when identified in individuals with phenotypically confirmed DCM. TTNtv found incidentally in healthy individuals (excluding familial assessment of DCM relatives) are thought to have low penetrance, particularly when identified in exons that are not constitutively expressed in the heart.